The following is an entry in ClinVar:

ClinVar aggregate classification (germline): Uncertain significance (1 of 4 stars; one submission).

Conditions:
Cardiovascular phenotype. Identifiers: MedGen CN230736.

Submission:

Ambry Genetics
Classification: Uncertain significance for Cardiovascular phenotype. Last evaluated: 2021-01-13. Review status: criteria provided, single submitter. Criteria: Ambry Variant Classification Scheme 2023. Collection method: clinical testing. Allele origin: germline.
Comment: The p.T319I variant (also known as c.956C>T), located in coding exon 11 of the TECRL gene, results from a C to T substitution at nucleotide position 956. The threonine at codon 319 is replaced by isoleucine, an amino acid with similar properties. This amino acid position is highly conserved in available vertebrate species. In addition, this alteration is predicted to be tolerated by in silico analysis. Since supporting evidence is limited at this time, the clinical significance of this alteration remains unclear.

NM_001010874.5(TECRL):c.956C>T (p.Thr319Ile)

Gene: TECRL (trans-2,3-enoyl-CoA reductase like; minus strand). Cytogenetic location: 4q13.1.
Variant type: single nucleotide variant.
Coding change: c.956C>T on transcript NM_001010874.5 (MANE Select); coding-DNA position 956, C replaced by T.
Protein change: p.Thr319Ile; replaces threonine 319 with isoleucine.
Molecular consequence: missense variant.
Genome position (GRCh38, 1-based): chr4:64,281,049, G>A on the plus strand (C>T on the coding strand, the complement: TECRL is on the minus strand). VCF-style: chr4-64281049-G-A. GRCh37 (hg19) VCF-style: chr4-65146767-G-A.
Other names: c.956C>T, p.Thr319Ile (NM_001363796.1); short protein forms T319I.
Identifiers: ClinVar variation 1767410 (VCV001767410.2), dbSNP rs2475923692, ClinGen allele CA357043009.